The following is an entry in ClinVar:

ClinVar aggregate classification (germline): other (0 of 4 stars; one submission).

Conditions:
Familial colorectal cancer. Identifiers: MedGen CN280943, MONDO:0023113. Disease mechanism: loss of function.

Allele frequency attached by ClinVar (database versions not stated): TOPMed 0.40481; 1000 Genomes Project 30x 0.43176; 1000 Genomes Project 0.43710.
gnomAD v4.1: 60,803 of 150,774 alleles (40%); highest among the groups gnomAD compares: East Asian, 67%; 14,721 homozygotes.

Submission:

Systems Biology Platform Zhejiang California International NanoSystems Institute
Classification: other for Familial colorectal cancer. Review status: no assertion criteria provided. Collection method: not provided. Allele origin: unknown.
ClinVar note: Converted during submission from cancer to other.

NM_000038.6(APC):c.136-2995A>G

Gene: APC (APC regulator of WNT signaling pathway; plus strand). Cytogenetic location: 5q22.2.
Variant type: single nucleotide variant.
Coding change: c.136-2995A>G on transcript NM_000038.6 (MANE Select); 2995 bases into the intron before coding-DNA position 136, A replaced by G.
Molecular consequence: intron variant.
Genome position (GRCh38, 1-based): chr5:112,763,331, A>G. VCF-style: chr5-112763331-A-G. GRCh37 (hg19) VCF-style: chr5-112099028-A-G.
Other names: c.136-2995A>G (NM_001354895.2, NM_001127510.3, NM_001354896.2 and 2 more transcripts); c.166-2995A>G (NM_001354897.2, NM_001354902.2, NM_001127511.3); c.61-2995A>G (NM_001354898.2, NM_001354904.2); c.-900-2995A>G (NM_001354906.2); c.-42-2995A>G (NM_001354900.2, NM_001354901.2, NM_001354905.2).
Identifiers: ClinVar variation 82847 (VCV000082847.2), dbSNP rs9647583, ClinGen allele CA004692.